The following is an entry in ClinVar:

ClinVar aggregate classification (germline): Uncertain significance (1 of 4 stars; one submission).

Submission:

Labcorp Genetics (formerly Invitae), Labcorp
Classification: Uncertain significance. Last evaluated: 2025-07-01. Review status: criteria provided, single submitter. Criteria: Invitae Variant Classification Sherloc (09022015). Collection method: clinical testing. Allele origin: germline.
Comment: This sequence change replaces arginine, which is basic and polar, with serine, which is neutral and polar, at codon 222 of the USP53 protein (p.Arg222Ser). This variant is not present in population databases (gnomAD no frequency). This variant has not been reported in the literature in individuals affected with USP53-related conditions. Invitae Evidence Modeling of protein sequence and biophysical properties (such as structural, functional, and spatial information, amino acid conservation, physicochemical variation, residue mobility, and thermodynamic stability) indicates that this missense variant is expected to disrupt USP53 protein function with a positive predictive value of 80%. In summary, the available evidence is currently insufficient to determine the role of this variant in disease. Therefore, it has been classified as a Variant of Uncertain Significance.

NM_001371395.1(USP53):c.666G>T (p.Arg222Ser)

Gene: USP53 (ubiquitin specific peptidase 53; plus strand). Cytogenetic location: 4q26.
Variant type: single nucleotide variant.
Coding change: c.666G>T on transcript NM_001371395.1 (MANE Select); coding-DNA position 666, G replaced by T.
Protein change: p.Arg222Ser; replaces arginine 222 with serine.
Molecular consequence: missense variant.
Genome position (GRCh38, 1-based): chr4:119,259,916, G>T. VCF-style: chr4-119259916-G-T. GRCh37 (hg19) VCF-style: chr4-120181071-G-T.
Other names: c.666G>T, p.Arg222Ser (NM_001371396.1, NM_001371397.1, NM_001371398.1 and 6 more transcripts); c.318G>T, p.Arg106Ser (NM_001389662.1, NM_001389663.1, NM_001389664.1 and 3 more transcripts); short protein forms R106S, R222S.
Identifiers: ClinVar variation 4740310 (VCV004740310.1).